The following is an entry in ClinVar:

ClinVar aggregate classification (germline): Uncertain significance (1 of 4 stars; one submission).

Conditions:
Hereditary spastic paraplegia 63. Also called: Spastic paraplegia 63, autosomal recessive. Identifiers: Orphanet 401805, MedGen C3810295, MONDO:0014305, OMIM 615686.
Pontocerebellar hypoplasia type 9. Identifiers: Orphanet 369920, MedGen C4014354, MONDO:0014351, OMIM 615809.

Allele frequency attached by ClinVar (database versions not stated): ExAC 0.00003; gnomAD exomes 0.00004; gnomAD 0.00006; TOPMed 0.00007.

Submission:

Labcorp Genetics (formerly Invitae), Labcorp
Classification: Uncertain significance for Pontocerebellar hypoplasia type 9; Hereditary spastic paraplegia 63. Last evaluated: 2022-05-06. Review status: criteria provided, single submitter. Criteria: Invitae Variant Classification Sherloc (09022015). Collection method: clinical testing. Allele origin: germline.
Comment: This sequence change replaces leucine, which is neutral and non-polar, with proline, which is neutral and non-polar, at codon 23 of the AMPD2 protein (p.Leu23Pro). This variant is present in population databases (rs758932818, gnomAD 0.01%). This variant has not been reported in the literature in individuals affected with AMPD2-related conditions. Algorithms developed to predict the effect of missense changes on protein structure and function are either unavailable or do not agree on the potential impact of this missense change (SIFT: "Deleterious"; PolyPhen-2: "Benign"; Align-GVGD: "Class C0"). In summary, the available evidence is currently insufficient to determine the role of this variant in disease. Therefore, it has been classified as a Variant of Uncertain Significance.

NM_001368809.2(AMPD2):c.-95T>C

Gene: AMPD2 (adenosine monophosphate deaminase 2; plus strand). Cytogenetic location: 1p13.3.
Variant type: single nucleotide variant.
Coding change: c.-95T>C on transcript NM_001368809.2 (MANE Select); 95 bases upstream of the start codon, T replaced by C.
Molecular consequence: 5 prime UTR variant. On other transcripts: intron variant (1).
Genome position (GRCh38, 1-based): chr1:109,621,081, T>C. VCF-style: chr1-109621081-T-C. GRCh37 (hg19) VCF-style: chr1-110163703-T-C.
Other names: c.-27T>C (NM_001308170.1); c.10+803T>C (NM_139156.4).
Identifiers: ClinVar variation 2043224 (VCV002043224.1), dbSNP rs758932818, ClinGen allele CA992585.